The following is an entry in ClinVar:

ClinVar aggregate classification (germline): Uncertain significance (1 of 4 stars; one submission).

Conditions:
Inborn genetic diseases. Identifiers: MedGen C0950123, MeSH D030342.

Submission:

Ambry Genetics
Classification: Uncertain significance for Inborn genetic diseases. Last evaluated: 2022-05-27. Review status: criteria provided, single submitter. Criteria: Ambry Variant Classification Scheme 2023. Collection method: clinical testing. Allele origin: germline.
Comment: The p.T477I variant (also known as c.1430C>T), located in coding exon 15 of the ERCC2 gene, results from a C to T substitution at nucleotide position 1430. The threonine at codon 477 is replaced by isoleucine, an amino acid with similar properties. This amino acid position is conserved. In addition, the in silico prediction for this alteration is inconclusive. Since supporting evidence is limited at this time, the clinical significance of this alteration remains unclear.

NM_000400.4(ERCC2):c.1430C>T (p.Thr477Ile)

Gene: ERCC2 (ERCC excision repair 2, TFIIH core complex helicase subunit; minus strand). Cytogenetic location: 19q13.32.
Variant type: single nucleotide variant.
Coding change: c.1430C>T on transcript NM_000400.4 (MANE Select); coding-DNA position 1430, C replaced by T.
Protein change: p.Thr477Ile; replaces threonine 477 with isoleucine.
Molecular consequence: missense variant.
Genome position (GRCh38, 1-based): chr19:45,357,319, G>A on the plus strand (C>T on the coding strand, the complement: ERCC2 is on the minus strand). VCF-style: chr19-45357319-G-A. GRCh37 (hg19) VCF-style: chr19-45860577-G-A.
Other names: short protein forms T477I.
Identifiers: ClinVar variation 1772496 (VCV001772496.2), dbSNP rs2514012396, ClinGen allele CA406367100.